The following is an entry in ClinVar:

NM_001369.3(DNAH5):c.8225-1G>T

Gene: DNAH5 (dynein axonemal heavy chain 5; minus strand). Cytogenetic location: 5p15.2.
Variant type: single nucleotide variant.
Coding change: c.8225-1G>T on transcript NM_001369.3 (MANE Select); the canonical splice acceptor site of the intron before coding-DNA position 8225, G replaced by T.
Molecular consequence: splice acceptor variant.
Genome position (GRCh38, 1-based): chr5:13,792,218, C>A on the plus strand (G>T on the coding strand, the complement: DNAH5 is on the minus strand). VCF-style: chr5-13792218-C-A. GRCh37 (hg19) VCF-style: chr5-13792327-C-A.
Identifiers: ClinVar variation 4081628 (VCV004081628.1).

ClinVar aggregate classification (germline): Likely pathogenic (1 of 4 stars; one submission).

Conditions:
Primary ciliary dyskinesia 3. Identifiers: Orphanet 244, MedGen C1837618, MONDO:0012085, OMIM 608644.

Submission:

Myriad Genetics, Inc.
Classification: Likely pathogenic for Primary ciliary dyskinesia 3. Last evaluated: 2025-05-14. Review status: criteria provided, single submitter. Criteria: Myriad Autosomal Dominant, Autosomal Recessive and X-Linked Classification Criteria (2023). Collection method: clinical testing. Allele origin: unknown.
Comment: NM_001369.2(DNAH5):c.8225-1G>T is a variant in a canonical splice site classified as likely pathogenic in the context of primary ciliary dyskinesia, DNAH5-related. c.8225-1G>T has not been observed in cases with relevant disease. Relevant functional assessments of this variant are not available in the literature. c.8225-1G>T has not been observed in referenced population frequency databases. In summary, NM_001369.2(DNAH5):c.8225-1G>T is a variant in a canonical splice site in a gene where loss of function is a known mechanism of disease and is predicted to disrupt protein function. Please note: this variant was assessed in the context of healthy population screening.